The following is an entry in ClinVar:

NM_004415.4(DSP):c.5623G>A (p.Glu1875Lys)

Gene: DSP (desmoplakin; plus strand). Cytogenetic location: 6p24.3.
Variant type: single nucleotide variant.
Coding change: c.5623G>A on transcript NM_004415.4 (MANE Select); coding-DNA position 5623, G replaced by A.
Protein change: p.Glu1875Lys; replaces glutamic acid 1875 with lysine.
Molecular consequence: missense variant.
Genome position (GRCh38, 1-based): chr6:7,582,885, G>A. VCF-style: chr6-7582885-G-A. GRCh37 (hg19) VCF-style: chr6-7583118-G-A.
Other names: c.3826G>A, p.Glu1276Lys (NM_001008844.3); c.4294G>A, p.Glu1432Lys (NM_001319034.2); short protein forms E1276K, E1432K, E1875K.
Identifiers: ClinVar variation 4783834 (VCV004783834.1).

ClinVar aggregate classification (germline): Uncertain significance (1 of 4 stars; one submission).

Conditions:
Arrhythmogenic right ventricular dysplasia 8 (ARVD8). Also called: Arrhythmogenic Right Ventricular Dysplasia/Cardiomyopathy 8; ARRHYTHMOGENIC RIGHT VENTRICULAR DYSPLASIA, FAMILIAL, 8; ARRHYTHMOGENIC RIGHT VENTRICULAR CARDIOMYOPATHY 8. Identifiers: MedGen C1843896, MONDO:0011831, OMIM 607450.
Arrhythmogenic cardiomyopathy with wooly hair and keratoderma. Also called: PALMOPLANTAR KERATODERMA WITH LEFT VENTRICULAR CARDIOMYOPATHY AND WOOLLY HAIR; Arrhythmogenic cardiomyopathy with woolly hair and keratoderma; Carvajal syndrome; Dilated cardiomyopathy with woolly hair and keratoderma. Identifiers: Orphanet 65282, MedGen C1854063, MONDO:0011581, OMIM 605676.

gnomAD v4.1: 4 of 1,614,090 alleles (0.00025%); highest among the groups gnomAD compares: East Asian, 0.0022%; no homozygotes.

Submission:

Labcorp Genetics (formerly Invitae), Labcorp
Classification: Uncertain significance for Arrhythmogenic cardiomyopathy with wooly hair and keratoderma; Arrhythmogenic right ventricular dysplasia 8. Last evaluated: 2026-01-28. Review status: criteria provided, single submitter. Criteria: Invitae Variant Classification Sherloc (09022015). Collection method: clinical testing. Allele origin: germline.
Comment: This sequence change replaces glutamic acid, which is acidic and polar, with lysine, which is basic and polar, at codon 1875 of the DSP protein (p.Glu1875Lys). This variant is not present in population databases (gnomAD no frequency). This variant has not been reported in the literature in individuals affected with DSP-related conditions. An algorithm developed to predict the effect of missense changes on protein structure and function (PolyPhen-2) suggests that this variant is likely to be disruptive. In summary, the available evidence is currently insufficient to determine the role of this variant in disease. Therefore, it has been classified as a Variant of Uncertain Significance.